The following is an entry in ClinVar:

NM_002180.3(IGHMBP2):c.1984G>A (p.Ala662Thr)

Gene: IGHMBP2 (immunoglobulin mu DNA binding protein 2; plus strand). Cytogenetic location: 11q13.3.
Variant type: single nucleotide variant.
Coding change: c.1984G>A on transcript NM_002180.3 (MANE Select); coding-DNA position 1984, G replaced by A.
Protein change: p.Ala662Thr; replaces alanine 662 with threonine.
Molecular consequence: missense variant.
Genome position (GRCh38, 1-based): chr11:68,936,464, G>A. VCF-style: chr11-68936464-G-A. GRCh37 (hg19) VCF-style: chr11-68703932-G-A.
Other names: short protein forms A662T.
Identifiers: ClinVar variation 1465896 (VCV001465896.5), dbSNP rs370166700, ClinGen allele CA6153819.

ClinVar aggregate classification (germline): Uncertain significance (1 of 4 stars; one submission).

Conditions:
Charcot-Marie-Tooth disease axonal type 2S. Also called: CHARCOT-MARIE-TOOTH NEUROPATHY, TYPE 2S; CHARCOT-MARIE-TOOTH DISEASE, AXONAL, AUTOSOMAL RECESSIVE, TYPE 2S. Identifiers: Orphanet 443073, MedGen C4015349, MONDO:0014511, OMIM 616155.
Autosomal recessive distal spinal muscular atrophy 1. Also called: SEVERE INFANTILE AXONAL NEUROPATHY WITH RESPIRATORY FAILURE; SPINAL MUSCULAR ATROPHY, DIAPHRAGMATIC; Spinal muscular atrophy with respiratory distress 1; HMN VI; NEURONOPATHY, SEVERE INFANTILE AXONAL, WITH RESPIRATORY FAILURE; NEURONOPATHY, DISTAL HEREDITARY MOTOR, HARDING TYPE VI. Identifiers: Orphanet 98920, MedGen C1858517, MONDO:0011436, OMIM 604320.

Allele frequency attached by ClinVar (database versions not stated): ExAC 0.00001; gnomAD 0.00001; TOPMed 0.00002; ESP Exome Variant Server 0.00008.
gnomAD v4.1: 58 of 1,613,748 alleles (0.0036%); highest among the groups gnomAD compares: Non-Finnish European, 0.0047%; no homozygotes.

Submission:

Labcorp Genetics (formerly Invitae), Labcorp
Classification: Uncertain significance for Autosomal recessive distal spinal muscular atrophy 1; Charcot-Marie-Tooth disease axonal type 2S. Last evaluated: 2022-08-08. Review status: criteria provided, single submitter. Criteria: Invitae Variant Classification Sherloc (09022015). Collection method: clinical testing. Allele origin: germline.
Comment: This sequence change replaces alanine, which is neutral and non-polar, with threonine, which is neutral and polar, at codon 662 of the IGHMBP2 protein (p.Ala662Thr). This variant is present in population databases (rs370166700, gnomAD 0.0009%). This variant has not been reported in the literature in individuals affected with IGHMBP2-related conditions. ClinVar contains an entry for this variant (Variation ID: 1465896). Advanced modeling of protein sequence and biophysical properties (such as structural, functional, and spatial information, amino acid conservation, physicochemical variation, residue mobility, and thermodynamic stability) performed at Invitae indicates that this missense variant is not expected to disrupt IGHMBP2 protein function. In summary, the available evidence is currently insufficient to determine the role of this variant in disease. Therefore, it has been classified as a Variant of Uncertain Significance.